The following is an entry in ClinVar:

ClinVar aggregate classification (germline): Uncertain significance (1 of 4 stars; one submission).

Submission:

Labcorp Genetics (formerly Invitae), Labcorp
Classification: Uncertain significance. Last evaluated: 2024-02-24. Review status: criteria provided, single submitter. Criteria: Invitae Variant Classification Sherloc (09022015). Collection method: clinical testing. Allele origin: germline.
Comment: This sequence change replaces methionine, which is neutral and non-polar, with isoleucine, which is neutral and non-polar, at codon 20 of the SZT2 protein (p.Met20Ile). This variant is not present in population databases (gnomAD no frequency). This variant has not been reported in the literature in individuals affected with SZT2-related conditions. ClinVar contains an entry for this variant (Variation ID: 1926537). Advanced modeling of protein sequence and biophysical properties (such as structural, functional, and spatial information, amino acid conservation, physicochemical variation, residue mobility, and thermodynamic stability) performed at Invitae indicates that this missense variant is expected to disrupt SZT2 protein function with a positive predictive value of 80%. In summary, the available evidence is currently insufficient to determine the role of this variant in disease. Therefore, it has been classified as a Variant of Uncertain Significance.

NM_001365999.1(SZT2):c.60G>C (p.Met20Ile)

Gene: SZT2 (SZT2 subunit of KICSTOR complex; plus strand). Cytogenetic location: 1p34.2.
Variant type: single nucleotide variant.
Coding change: c.60G>C on transcript NM_001365999.1 (MANE Select); coding-DNA position 60, G replaced by C.
Protein change: p.Met20Ile; replaces methionine 20 with isoleucine.
Molecular consequence: missense variant.
Genome position (GRCh38, 1-based): chr1:43,403,209, G>C. VCF-style: chr1-43403209-G-C. GRCh37 (hg19) VCF-style: chr1-43868880-G-C.
Other names: c.60G>C, p.Met20Ile (NM_015284.4); short protein forms M20I.
Identifiers: ClinVar variation 1926537 (VCV001926537.5), dbSNP rs896591242, ClinGen allele CA21621235.
Genomic context (GRCh38, chr1:43,403,209, plus strand): 5'-AGATGTATTAATGTCTCTTTGTTCCCAGGTGGAAGAAGCTGGGCAGGTGTTCCTGTTAAT[G>C]AAAAAGGATTATCGAATCTCCCGAAATGTTCGCCTGGCTTGGTTCCTCAGTCATCTGCAC-3'
Protein context (NP_001352928.1, residues 10-30): VEEAGQVFLL[Met20Ile]KKDYRISRNV